The following is an entry in ClinVar:

NM_000666.3(ACY1):c.265-7C>T

Genes: ABHD14A-ACY1 (ABHD14A-ACY1 readthrough; plus strand), ACY1 (aminoacylase 1; plus strand). Cytogenetic location: 3p21.2.
Variant type: single nucleotide variant.
Coding change: c.265-7C>T on transcript NM_000666.3 (MANE Select); 7 bases into the intron before coding-DNA position 265, C replaced by T.
Molecular consequence: intron variant.
Genome position (GRCh38, 1-based): chr3:51,985,845, C>T. VCF-style: chr3-51985845-C-T. GRCh37 (hg19) VCF-style: chr3-52019861-C-T.
Other names: c.535-7C>T (NM_001316331.2); c.265-7C>T (NM_001198897.2, NM_001198896.2, NM_001198895.2); c.160-7C>T (NM_001198898.2).
Identifiers: ClinVar variation 1596621 (VCV001596621.12), dbSNP rs150956099, ClinGen allele CA2428414.

ClinVar aggregate classification (germline): Benign/Likely benign. Review status: criteria provided, multiple submitters, no conflicts (2 of 4 stars). 4 submissions from 4 submitters: Benign (2); Likely benign (1). 1 of the submissions does not count toward it. Last evaluated 2026-01-18.

Conditions:
ABHD14A-ACY1-related disorder. Also called: ABHD14A-ACY1-related condition.

Allele frequency attached by ClinVar (database versions not stated): gnomAD 0.00010 and 0.00019; TOPMed 0.00011; gnomAD exomes 0.00025 and 0.00033; 1000 Genomes Project 30x 0.00031; 1000 Genomes Project 0.00040; ExAC 0.00043.
gnomAD v4.1: 415 of 1,612,310 alleles (0.026%); highest among the groups gnomAD compares: Middle Eastern, 0.25%; 1 homozygote.

Submissions (4):

Labcorp Genetics (formerly Invitae), Labcorp
Classification: Benign. Last evaluated: 2026-01-18. Review status: criteria provided, single submitter. Criteria: Invitae Variant Classification Sherloc (09022015). Collection method: clinical testing. Allele origin: germline.

Blueprint Genetics
Classification: Likely benign. Last evaluated: 2024-10-29. Review status: criteria provided, single submitter. Criteria: ACMG Guidelines, 2015. Collection method: clinical testing. Allele origin: germline.

Breakthrough Genomics
Classification: Benign. Review status: criteria provided, single submitter. Criteria: ACMG Guidelines, 2015. Collection method: not provided. Allele origin: germline. Inheritance: Autosomal recessive inheritance. Affected: yes.

PreventionGenetics, part of Exact Sciences
Classification: Likely benign for ABHD14A-ACY1-related condition. Last evaluated: 2019-05-06. Review status: no assertion criteria provided. Collection method: clinical testing. Allele origin: germline. Not counted in ClinVar's aggregate classification.
Comment: This variant is classified as likely benign based on ACMG/AMP sequence variant interpretation guidelines (Richards et al. 2015 PMID: 25741868, with internal and published modifications).